The following is an entry in ClinVar:

ClinVar aggregate classification (germline): Uncertain significance (1 of 4 stars; one submission).

Conditions:
Early-infantile DEE. Also called: Ohtahara syndrome; Early infantile epileptic encephalopathy; Early infantile epileptic encephalopathy with suppression bursts. Identifiers: Orphanet 1934, MedGen C0393706, MONDO:0800491.

Submission:

Labcorp Genetics (formerly Invitae), Labcorp
Classification: Uncertain significance for Early-infantile DEE. Last evaluated: 2021-06-18. Review status: criteria provided, single submitter. Criteria: Invitae Variant Classification Sherloc (09022015). Collection method: clinical testing. Allele origin: germline.
Comment: In summary, the available evidence is currently insufficient to determine the role of this variant in disease. Therefore, it has been classified as a Variant of Uncertain Significance. Algorithms developed to predict the effect of sequence changes on RNA splicing suggest that this variant may create or strengthen a splice site, but this prediction has not been confirmed by published transcriptional studies. Advanced modeling of protein sequence and biophysical properties (such as structural, functional, and spatial information, amino acid conservation, physicochemical variation, residue mobility, and thermodynamic stability) performed at Invitae indicates that this missense variant is expected to disrupt SCN1A protein function. This variant has not been reported in the literature in individuals with SCN1A-related conditions. This variant is not present in population databases (ExAC no frequency). This sequence change replaces leucine with valine at codon 1318 of the SCN1A protein (p.Leu1318Val). The leucine residue is highly conserved and there is a small physicochemical difference between leucine and valine.

NM_001165963.4(SCN1A):c.3952C>G (p.Leu1318Val)

Genes: SCN1A (sodium voltage-gated channel alpha subunit 1; minus strand), LOC102724058 (uncharacterized LOC102724058; plus strand). Cytogenetic location: 2q24.3.
Variant type: single nucleotide variant.
Coding change: c.3952C>G on transcript NM_001165963.4 (MANE Select); coding-DNA position 3952, C replaced by G.
Protein change: p.Leu1318Val; replaces leucine 1318 with valine.
Molecular consequence: missense variant. On other transcripts: non-coding transcript variant (1).
Genome position (GRCh38, 1-based): chr2:166,009,769, G>C on the plus strand (C>G on the coding strand, the complement: SCN1A is on the minus strand). VCF-style: chr2-166009769-G-C. GRCh37 (hg19) VCF-style: chr2-166866279-G-C.
Other names: c.3868C>G, p.Leu1290Val (NM_001165964.3, NM_001353957.2, NM_001353958.2); c.3952C>G, p.Leu1318Val (NM_001202435.3, NM_001353948.2); c.3919C>G, p.Leu1307Val (NM_001353949.2, NM_001353950.2, NM_001353951.2 and 2 more transcripts); c.3916C>G, p.Leu1306Val (NM_001353954.2, NM_001353955.2); c.3865C>G, p.Leu1289Val (NM_001353960.2); c.1510C>G, p.Leu504Val (NM_001353961.2); short protein forms L1289V, L504V, L1307V, L1290V, L1306V, L1318V.
Identifiers: ClinVar variation 1385928 (VCV001385928.9), dbSNP rs1692165143, ClinGen allele CA349053111.